The following is an entry in ClinVar:

NM_024642.5(GALNT12):c.942G>C (p.Leu314=)

Gene: GALNT12 (polypeptide N-acetylgalactosaminyltransferase 12; plus strand). Cytogenetic location: 9q22.33.
Variant type: single nucleotide variant.
Coding change: c.942G>C on transcript NM_024642.5 (MANE Select); coding-DNA position 942, G replaced by C.
Protein change: p.Leu314=; no amino-acid change (leucine 314 retained).
Molecular consequence: synonymous variant.
Genome position (GRCh38, 1-based): chr9:98,835,273, G>C. VCF-style: chr9-98835273-G-C. GRCh37 (hg19) VCF-style: chr9-101597555-G-C.
Identifiers: ClinVar variation 4876143 (VCV004876143.1).

ClinVar aggregate classification (germline): Benign (1 of 4 stars; one submission).

Conditions:
Colorectal cancer, susceptibility to, 1. Also called: COLORECTAL ADENOMA AND CANCER, SUSCEPTIBILITY TO; COLORECTAL CANCER, SUSCEPTIBILITY TO, ON CHROMOSOME 9. Identifiers: MedGen C1837315, MONDO:0012132, OMIM 608812.

Submission:

Myriad Genetics, Inc.
Classification: Benign for Colorectal cancer, susceptibility to, 1. Last evaluated: 2026-04-24. Review status: criteria provided, single submitter. Criteria: Myriad Autosomal Dominant, Autosomal Recessive and X-Linked Classification Criteria (2023). Collection method: clinical testing. Allele origin: unknown.
Comment: This variant is considered benign. This variant is a silent/synonymous amino acid change and it is not expected to impact splicing.